The following is an entry in ClinVar:

ClinVar aggregate classification (germline): Uncertain significance. Review status: criteria provided, multiple submitters, no conflicts (2 of 4 stars). 3 submissions from 3 submitters: Uncertain significance (3). Last evaluated 2025-01-24.

Conditions:
Hereditary cancer-predisposing syndrome. Also called: Tumor predisposition; Hereditary neoplastic syndrome; Hereditary Cancer Syndrome; Neoplastic Syndromes, Hereditary. Identifiers: Orphanet 140162, MedGen C0027672, MeSH D009386, MONDO:0015356.
Familial cancer of breast. Also called: BREAST CANCER, FAMILIAL; Hereditary breast cancer; hereditary breast carcinoma. Identifiers: Orphanet 227535, MedGen C0346153, MONDO:0016419, OMIM 114480. Disease mechanism: loss of function.
Ataxia-telangiectasia syndrome (AT). Also called: Ataxia-telangiectasia; LOUIS-BAR SYNDROME; AT, COMPLEMENTATION GROUP C; Ataxia-telangiectasia, complementation group E; Ataxia telangiectasia (A-T); Cerebello-oculocutaneous telangiectasia. Identifiers: Orphanet 100, MedGen C0004135, MONDO:0008840, OMIM 208900.

Allele frequency attached by ClinVar (database versions not stated): gnomAD exomes below 0.00001; TOPMed below 0.00001; gnomAD 0.00001.
gnomAD v4.1: 2 of 1,613,104 alleles (0.00012%); highest among the groups gnomAD compares: Non-Finnish European, 0.00017%; no homozygotes.

Submissions (3):

Ambry Genetics
Classification: Uncertain significance for Hereditary cancer-predisposing syndrome. Last evaluated: 2025-01-24. Review status: criteria provided, single submitter. Criteria: Ambry Variant Classification Scheme 2023. Collection method: clinical testing. Allele origin: germline.
Comment: The p.L1824R variant (also known as c.5471T>G), located in coding exon 35 of the ATM gene, results from a T to G substitution at nucleotide position 5471. The leucine at codon 1824 is replaced by arginine, an amino acid with dissimilar properties. Another variant was detected in the ATM gene, designated c.2838+2156del18kb, but it was not specified if these alterations were on the same (cis) or different (trans) alleles in this patient (Cavalieri S et al. Hum. Mutat., 2006 Oct;27:1061). This amino acid position is highly conserved in available vertebrate species. In addition, this alteration is predicted to be deleterious by in silico analysis. Since supporting evidence is limited at this time, the clinical significance of this alteration remains unclear.

Labcorp Genetics (formerly Invitae), Labcorp
Classification: Uncertain significance for Ataxia-telangiectasia syndrome. Last evaluated: 2024-09-21. Review status: criteria provided, single submitter. Criteria: Invitae Variant Classification Sherloc (09022015). Collection method: clinical testing. Allele origin: germline.
Comment: This sequence change replaces leucine, which is neutral and non-polar, with arginine, which is basic and polar, at codon 1824 of the ATM protein (p.Leu1824Arg). This variant is not present in population databases (gnomAD no frequency). This missense change has been observed in individual(s) with ataxia-telangiectasia (PMID: 16941484). ClinVar contains an entry for this variant (Variation ID: 1449808). An algorithm developed to predict the effect of missense changes on protein structure and function (PolyPhen-2) suggests that this variant is likely to be disruptive. In summary, the available evidence is currently insufficient to determine the role of this variant in disease. Therefore, it has been classified as a Variant of Uncertain Significance.

KCCC/NGS Laboratory, Kuwait Cancer Control Center
Classification: Uncertain significance for Familial cancer of breast. Last evaluated: 2023-06-06. Review status: criteria provided, single submitter. Criteria: ACMG Guidelines, 2015. Collection method: clinical testing. Allele origin: germline. Affected: yes.
Comment: a variant of uncertain significant was detected in the ATM gene (Leu1824Arg). This sequence change replaces leucine with arginine at codon 1824 of the ATM protein (p.Leu1824Arg). The leucine residue is highly conserved and there is a physicochemical difference between leucine and arginine. This variant is not present in population database gnomAD. This variant has been reported in the literature in individuals with ATM-related conditions (23941260). In-silico predictions show pathogenic computational verdict based on 10 pathogenic predictions from BayesDel_addAF, DANN, DEOGEN2, EIGEN, FATHMM-MKL, MCAP, MVP, MutationAssessor, MutationTaster and SIFT vs 2 benign predictions from LIST-S2 and PrimateAI.I. Therefore, it has been classified as a Variant of Uncertain Significance. Pathogenic/likely pathogenic mutations in the ATM gene cause susceptibility to breast cancer (OMIM 114480).

Literature cited by the submitters: PubMed 16941484 (cited by Ambry Genetics and Labcorp Genetics (formerly Invitae), Labcorp); PubMed 31626222 (cited by Ambry Genetics).

NM_000051.4(ATM):c.5471T>G (p.Leu1824Arg)

Gene: ATM (ATM serine/threonine kinase; plus strand). Cytogenetic location: 11q22.3.
Variant type: single nucleotide variant.
Coding change: c.5471T>G on transcript NM_000051.4 (MANE Select); coding-DNA position 5471, T replaced by G.
Protein change: p.Leu1824Arg; replaces leucine 1824 with arginine.
Molecular consequence: missense variant.
Genome position (GRCh38, 1-based): chr11:108,303,004, T>G. VCF-style: chr11-108303004-T-G. GRCh37 (hg19) VCF-style: chr11-108173731-T-G.
Other names: c.5471T>G, p.Leu1824Arg (NM_001351834.2); short protein forms L1824R.
Identifiers: ClinVar variation 1449808 (VCV001449808.12), dbSNP rs1565479465, ClinGen allele CA382544396.